The following is an entry in ClinVar:

NM_213655.5(WNK1):c.2436C>A (p.Tyr812Ter)

Gene: WNK1 (WNK lysine deficient protein kinase 1; plus strand). Cytogenetic location: 12p13.33.
Variant type: single nucleotide variant.
Coding change: c.2436C>A on transcript NM_213655.5 (MANE Plus Clinical); coding-DNA position 2436, C replaced by A.
Protein change: p.Tyr812Ter; replaces tyrosine 812 with a stop codon.
Molecular consequence: nonsense. On other transcripts: intron variant (2).
Genome position (GRCh38, 1-based): chr12:867,907, C>A. VCF-style: chr12-867907-C-A. GRCh37 (hg19) VCF-style: chr12-977073-C-A.
Other names: c.2181C>A, p.Tyr727Ter (NM_001184985.2); c.2140-3358C>A (NM_018979.4, NM_014823.3); short protein forms Y727*, Y812*.
Identifiers: ClinVar variation 1069964 (VCV001069964.7), dbSNP rs2154071377, ClinGen allele CA383338740.

ClinVar aggregate classification (germline): Pathogenic (1 of 4 stars; one submission).

Conditions:
Neuropathy, hereditary sensory and autonomic, type 2A (HSAN2A). Also called: MORVAN DISEASE; NEUROPATHY, CONGENITAL SENSORY; NEUROPATHY, HEREDITARY SENSORY RADICULAR, AUTOSOMAL RECESSIVE; NEUROPATHY, HEREDITARY SENSORY, TYPE IIA; NEUROPATHY, PROGRESSIVE SENSORY, OF CHILDREN; WNK1-Related HSAN2 (HSAN2A). Identifiers: Orphanet 970, MedGen C2752089, MONDO:0024309, OMIM 201300.
Pseudohypoaldosteronism type 2C (PHA2C). Also called: Pseudohypoaldosteronism Type IIC. Identifiers: Orphanet 757, Orphanet 88940, MedGen C1840391, MONDO:0013778, OMIM 614492.

Submission:

Labcorp Genetics (formerly Invitae), Labcorp
Classification: Pathogenic for Neuropathy, hereditary sensory and autonomic, type 2A; Pseudohypoaldosteronism type 2C. Last evaluated: 2020-07-16. Review status: criteria provided, single submitter. Criteria: Invitae Variant Classification Sherloc (09022015). Collection method: clinical testing. Allele origin: germline.
Comment: For these reasons, this variant has been classified as Pathogenic. This sequence change creates a premature translational stop signal (p.Tyr812*) in the WNK1 gene. It is expected to result in an absent or disrupted protein product. This variant is not present in population databases (ExAC no frequency). This variant has not been reported in the literature in individuals with WNK1-related conditions. Loss-of-function variants in WNK1 are known to be pathogenic (PMID: 22910560).

Literature cited by the submitters: PubMed 22910560.